The following is an entry in ClinVar:

NM_006073.4(TRDN):c.1684C>A (p.Leu562Ile)

Gene: TRDN (triadin; minus strand). Cytogenetic location: 6q22.31.
Variant type: single nucleotide variant.
Coding change: c.1684C>A on transcript NM_006073.4 (MANE Select); coding-DNA position 1684, C replaced by A.
Protein change: p.Leu562Ile; replaces leucine 562 with isoleucine.
Molecular consequence: missense variant.
Genome position (GRCh38, 1-based): chr6:123,271,175, G>T on the plus strand (C>A on the coding strand, the complement: TRDN is on the minus strand). VCF-style: chr6-123271175-G-T. GRCh37 (hg19) VCF-style: chr6-123592320-G-T.
Other names: short protein forms L562I.
Identifiers: ClinVar variation 1403808 (VCV001403808.9), dbSNP rs2114612744, ClinGen allele CA365564573.
Genomic context (GRCh38, chr6:123,271,175, plus strand): 5'-AAAAATATAAAATACCTTATTTACCTGTTTTTTCTATTGTGACAGCTTTTACCTGCTTGA[G>T]AACTTTTTCTTCTGTGATAGGAAAAAATGTTAACACAAGTAGGAAATTTGAATACATCAG-3'
Protein context (NP_006064.2, residues 552-572): VSHGKPEEKV[Leu562Ile]KQVKAVTIEK

ClinVar aggregate classification (germline): Uncertain significance (1 of 4 stars; one submission).

Conditions:
Catecholaminergic polymorphic ventricular tachycardia 1. Also called: VENTRICULAR TACHYCARDIA, STRESS-INDUCED POLYMORPHIC 1; VENTRICULAR TACHYCARDIA, CATECHOLAMINERGIC POLYMORPHIC, 1, WITH OR WITHOUT ATRIAL DYSFUNCTION AND/OR DILATED CARDIOMYOPATHY; RYR2-Related Catecholaminergic Polymorphic Ventricular Tachycardia. Identifiers: Orphanet 3286, MedGen C1631597, MONDO:0011484, OMIM 604772.

Submission:

Labcorp Genetics (formerly Invitae), Labcorp
Classification: Uncertain significance for Catecholaminergic polymorphic ventricular tachycardia 1. Last evaluated: 2021-01-16. Review status: criteria provided, single submitter. Criteria: Invitae Variant Classification Sherloc (09022015). Collection method: clinical testing. Allele origin: germline.
Comment: In summary, the available evidence is currently insufficient to determine the role of this variant in disease. Therefore, it has been classified as a Variant of Uncertain Significance. This variant has not been reported in the literature in individuals with TRDN-related conditions. This variant is not present in population databases (ExAC no frequency). This sequence change replaces leucine with isoleucine at codon 562 of the TRDN protein (p.Leu562Ile). The leucine residue is weakly conserved and there is a small physicochemical difference between leucine and isoleucine. Algorithms developed to predict the effect of missense changes on protein structure and function output the following: SIFT: "Tolerated"; PolyPhen-2: "Benign"; Align-GVGD: "Class C0". The isoleucine amino acid residue is found in multiple mammalian species, suggesting that this missense change does not adversely affect protein function. These predictions have not been confirmed by published functional studies and their clinical significance is uncertain.